The following is an entry in ClinVar:

NM_005982.4(SIX1):c.337C>T (p.Arg113Ter)

Gene: SIX1 (SIX homeobox 1; minus strand). Cytogenetic location: 14q23.1.
Variant type: single nucleotide variant.
Coding change: c.337C>T on transcript NM_005982.4 (MANE Select); coding-DNA position 337, C replaced by T.
Protein change: p.Arg113Ter; replaces arginine 113 with a stop codon.
Molecular consequence: nonsense.
Genome position (GRCh38, 1-based): chr14:60,648,853, G>A on the plus strand (C>T on the coding strand, the complement: SIX1 is on the minus strand). VCF-style: chr14-60648853-G-A. GRCh37 (hg19) VCF-style: chr14-61115571-G-A.
Other names: c.337C>T, p.Arg113Ter (NM_001425142.1); short protein forms R113*.
Identifiers: ClinVar variation 3757320 (VCV003757320.2).

ClinVar aggregate classification (germline): Pathogenic (1 of 4 stars; one submission).

Conditions:
Autosomal dominant nonsyndromic hearing loss 23. Identifiers: Orphanet 90635, MedGen C1854594, MONDO:0011519, OMIM 605192.
Branchiootic syndrome 3 (BOS3). Also called: BO SYNDROME 3. Identifiers: MedGen C1842124, MONDO:0012025, OMIM 608389.

Submission:

Labcorp Genetics (formerly Invitae), Labcorp
Classification: Pathogenic for Autosomal dominant nonsyndromic hearing loss 23; Branchiootic syndrome 3. Last evaluated: 2024-07-24. Review status: criteria provided, single submitter. Criteria: Invitae Variant Classification Sherloc (09022015). Collection method: clinical testing. Allele origin: germline.
Comment: This sequence change creates a premature translational stop signal (p.Arg113*) in the SIX1 gene. It is expected to result in an absent or disrupted protein product. Loss-of-function variants in SIX1 are known to be pathogenic (PMID: 15141091, 18330911, 19497856, 23435380, 28566479). This variant is not present in population databases (gnomAD no frequency). This variant has not been reported in the literature in individuals affected with SIX1-related conditions. For these reasons, this variant has been classified as Pathogenic.

Literature cited by the submitters: PubMed 15141091; PubMed 18330911; PubMed 19497856; PubMed 23435380; PubMed 28566479.